The following is an entry in ClinVar:

ClinVar aggregate classification (germline): Uncertain significance (1 of 4 stars; one submission).

gnomAD v4.1: 1 of 1,612,628 alleles (0.000062%); highest among the groups gnomAD compares: African/African-American, 0.0013%; no homozygotes.

Submission:

GeneDx
Classification: Uncertain significance. Last evaluated: 2025-06-02. Review status: criteria provided, single submitter. Criteria: GeneDx Variant Classification Process June 2021. Collection method: clinical testing. Allele origin: germline. Affected: yes.
Comment: Not observed at significant frequency in large population cohorts (gnomAD); In silico analysis suggests that this missense variant does not alter protein structure/function; Has not been previously published as pathogenic or benign to our knowledge; In silico analysis is inconclusive as to whether the variant alters gene splicing. In the absence of RNA/functional studies, the actual effect of this sequence change is unknown.

NM_194248.3(OTOF):c.1951C>G (p.Gln651Glu)

Gene: OTOF (otoferlin; minus strand). Cytogenetic location: 2p23.3.
Variant type: single nucleotide variant.
Coding change: c.1951C>G on transcript NM_194248.3 (MANE Select); coding-DNA position 1951, C replaced by G.
Protein change: p.Gln651Glu; replaces glutamine 651 with glutamic acid.
Molecular consequence: missense variant.
Genome position (GRCh38, 1-based): chr2:26,479,615, G>C on the plus strand (C>G on the coding strand, the complement: OTOF is on the minus strand). VCF-style: chr2-26479615-G-C. GRCh37 (hg19) VCF-style: chr2-26702483-G-C.
Other names: c.1951C>G, p.Gln651Glu (NM_001287489.2); short protein forms Q651E.
Identifiers: ClinVar variation 4536348 (VCV004536348.1).